The following is an entry in ClinVar:

NM_002890.3(RASA1):c.903C>G (p.Phe301Leu)

Genes: CCNH (cyclin H; minus strand), RASA1 (RAS p21 protein activator 1; plus strand). Cytogenetic location: 5q14.3.
Variant type: single nucleotide variant.
Coding change: c.903C>G on transcript NM_002890.3 (MANE Select); coding-DNA position 903, C replaced by G.
Protein change: p.Phe301Leu; replaces phenylalanine 301 with leucine.
Molecular consequence: missense variant. On other transcripts: intron variant (1).
Genome position (GRCh38, 1-based): chr5:87,337,977, C>G. VCF-style: chr5-87337977-C-G. GRCh37 (hg19) VCF-style: chr5-86633794-C-G.
Other names: c.372C>G, p.Phe124Leu (NM_022650.3); c.934-25182G>C (NM_001364075.2); short protein forms F124L, F301L.
Identifiers: ClinVar variation 2587737 (VCV002587737.2), dbSNP rs2531212186, ClinGen allele CA360380301.
Genomic context (GRCh38, chr5:87,337,977, plus strand): 5'-TCTAATCTCTGTATTTAAAATTTTTAAATTTAATAACTTTAAAATTGCTATTTTCAGTTT[C>G]TTAAAAGGAGATATGTTCATTGTTCATAATGAATTAGAAGATGGATGGATGTGGGTTACA-3'
Protein context (NP_002881.1, residues 291-311): TKVPDTDEIS[Phe301Leu]LKGDMFIVHN

ClinVar aggregate classification (germline): Uncertain significance (1 of 4 stars; one submission).

Conditions:
Cardiovascular phenotype. Identifiers: MedGen CN230736.

Submission:

Ambry Genetics
Classification: Uncertain significance for Cardiovascular phenotype. Last evaluated: 2023-08-30. Review status: criteria provided, single submitter. Criteria: Ambry Variant Classification Scheme 2023. Collection method: clinical testing. Allele origin: germline.
Comment: The p.F301L variant (also known as c.903C>G), located in coding exon 5 of the RASA1 gene, results from a C to G substitution at nucleotide position 903. The phenylalanine at codon 301 is replaced by leucine, an amino acid with highly similar properties. This amino acid position is conserved. In addition, the in silico prediction for this alteration is inconclusive. Since supporting evidence is limited at this time, the clinical significance of this alteration remains unclear.